The following is an entry in ClinVar:

NM_005251.3(FOXC2):c.1048G>C (p.Val350Leu)

Gene: FOXC2 (forkhead box C2; plus strand). Cytogenetic location: 16q24.1.
Variant type: single nucleotide variant.
Coding change: c.1048G>C on transcript NM_005251.3 (MANE Select); coding-DNA position 1048, G replaced by C.
Protein change: p.Val350Leu; replaces valine 350 with leucine.
Molecular consequence: missense variant.
Genome position (GRCh38, 1-based): chr16:86,568,383, G>C. VCF-style: chr16-86568383-G-C. GRCh37 (hg19) VCF-style: chr16-86601989-G-C.
Other names: short protein forms V350L.
Identifiers: ClinVar variation 2646949 (VCV002646949.24), dbSNP rs1193581033, ClinGen allele CA397009342.

ClinVar aggregate classification (germline): Uncertain significance (1 of 4 stars; one submission).

Allele frequency attached by ClinVar (database versions not stated): TOPMed below 0.00001.

Submission:

CeGaT Center for Human Genetics Tuebingen
Classification: Uncertain significance. Last evaluated: 2023-02-01. Review status: criteria provided, single submitter. Criteria: CeGaT Center For Human Genetics Tuebingen Variant Classification Criteria Version 2. Collection method: clinical testing. Allele origin: germline. Affected: yes. Observed: 1 variant allele.
Comment: FOXC2: PM2, PP3